The following is an entry in ClinVar:

ClinVar aggregate classification (germline): Uncertain significance (1 of 4 stars; one submission).

Conditions:
MHC class II deficiency. Also called: BLS, TYPE II; Bare lymphocyte syndrome 2. Identifiers: Orphanet 572, MedGen C5447452, MONDO:0008855.

Allele frequency attached by ClinVar (database versions not stated): gnomAD exomes below 0.00001; ExAC 0.00001; TOPMed 0.00001.

Submission:

Labcorp Genetics (formerly Invitae), Labcorp
Classification: Uncertain significance for MHC class II deficiency. Last evaluated: 2021-08-31. Review status: criteria provided, single submitter. Criteria: Invitae Variant Classification Sherloc (09022015). Collection method: clinical testing. Allele origin: germline.
Comment: This sequence change replaces leucine with phenylalanine at codon 38 of the CIITA protein (p.Leu38Phe). The leucine residue is moderately conserved and there is a small physicochemical difference between leucine and phenylalanine. This variant is present in population databases (rs751437463, ExAC 0.001%). This variant has not been reported in the literature in individuals affected with CIITA-related conditions. Algorithms developed to predict the effect of missense changes on protein structure and function are either unavailable or do not agree on the potential impact of this missense change (SIFT: "Deleterious"; PolyPhen-2: "Probably Damaging"; Align-GVGD: "Class C0"). In summary, the available evidence is currently insufficient to determine the role of this variant in disease. Therefore, it has been classified as a Variant of Uncertain Significance.

NM_000246.4(CIITA):c.112C>T (p.Leu38Phe)

Gene: CIITA (class II major histocompatibility complex transactivator; plus strand). Cytogenetic location: 16p13.13.
Variant type: single nucleotide variant.
Coding change: c.112C>T on transcript NM_000246.4 (MANE Select); coding-DNA position 112, C replaced by T.
Protein change: p.Leu38Phe; replaces leucine 38 with phenylalanine.
Molecular consequence: missense variant. On other transcripts: non-coding transcript variant (1).
Genome position (GRCh38, 1-based): chr16:10,895,341, C>T. VCF-style: chr16-10895341-C-T. GRCh37 (hg19) VCF-style: chr16-10989198-C-T.
Other names: c.112C>T, p.Leu38Phe (NM_001286402.1, NM_001286403.2, NM_001379330.1 and 3 more transcripts); c.40C>T, p.Leu14Phe (NM_001379334.1); short protein forms L14F, L38F.
Identifiers: ClinVar variation 1477721 (VCV001477721.5), dbSNP rs751437463, ClinGen allele CA7899571.
Genomic context (GRCh38, chr16:10,895,341, plus strand): 5'-GGCAGCTCACAGTGTGCCACCATGGAGTTGGGGCCCCTAGAAGGTGGCTACCTGGAGCTT[C>T]TTAACAGCGATGCTGACCCCCTGTGCCTCTACCACTTCTATGACCAGATGGACCTGGCTG-3'
Protein context (NP_000237.2, residues 28-48): GPLEGGYLEL[Leu38Phe]NSDADPLCLY